The following is an entry in ClinVar:

ClinVar aggregate classification (germline): Benign/Likely benign. Review status: criteria provided, multiple submitters, no conflicts (2 of 4 stars). 12 submissions from 11 submitters: Benign (2); Likely benign (6). 4 of the submissions do not count toward it. Last evaluated 2026-01-22.

Conditions:
Pierson syndrome. Also called: MICROCORIA-CONGENITAL NEPHROTIC SYNDROME. Identifiers: Orphanet 2670, MedGen C1836876, MONDO:0012184, OMIM 609049.
LAMB2-related infantile-onset nephrotic syndrome. Also called: Nephrotic Syndrome, type 5; NEPHROTIC SYNDROME, TYPE 5, WITHOUT OCULAR ABNORMALITIES; NEPHROTIC SYNDROME, TYPE 5, WITH OCULAR ABNORMALITIES. Identifiers: Orphanet 306507, MedGen C3280113, MONDO:0013621, OMIM 614199.
LAMB2-related disorder. Also called: LAMB2-related condition.

Allele frequency attached by ClinVar (database versions not stated): 1000 Genomes Project 30x 0.00156; 1000 Genomes Project 0.00160; gnomAD 0.00239 and 0.00242; TOPMed 0.00242; ExAC 0.00262; gnomAD exomes 0.00268 and 0.00343; ESP Exome Variant Server 0.00292.
gnomAD v4.1: 5,341 of 1,614,024 alleles (0.33%); highest among the groups gnomAD compares: Non-Finnish European, 0.4%; 10 homozygotes.

Submissions (12):

Labcorp Genetics (formerly Invitae), Labcorp
Classification: Likely benign for LAMB2-related infantile-onset nephrotic syndrome; Pierson syndrome. Last evaluated: 2026-01-22. Review status: criteria provided, single submitter. Criteria: Invitae Variant Classification Sherloc (09022015). Collection method: clinical testing. Allele origin: germline.

Mayo Clinic Laboratories, Mayo Clinic
Classification: Benign. Last evaluated: 2025-10-09. Review status: criteria provided, single submitter. Criteria: ACMG Guidelines, 2015. Collection method: clinical testing. Allele origin: germline. Observed: 3 variant alleles.
Comment: BS1, BS2, BP4_moderate

CeGaT Center for Human Genetics Tuebingen
Classification: Likely benign. Last evaluated: 2022-06-01. Review status: criteria provided, single submitter. Criteria: CeGaT Center For Human Genetics Tuebingen Variant Classification Criteria Version 2. Collection method: clinical testing. Allele origin: germline. Affected: yes. Observed: 4 variant alleles.
Comment: LAMB2: BP4

Athena Diagnostics
Classification: Benign. Last evaluated: 2020-11-06. Review status: criteria provided, single submitter. Criteria: Athena Diagnostics criteria. Collection method: clinical testing. Allele origin: unknown.

GeneDx
Classification: Likely benign. Last evaluated: 2020-03-13. Review status: criteria provided, single submitter. Criteria: GeneDx Variant Classification Process June 2021. Collection method: clinical testing. Allele origin: germline. Affected: yes.
Comment: In silico analysis supports that this missense variant does not alter protein structure/function; Has not been previously published as pathogenic or benign to our knowledge

Eurofins Ntd Llc (ga)
Classification: Likely benign. Last evaluated: 2018-03-15. Review status: criteria provided, single submitter. Criteria: EGL ClinVar v180209 classification definitions. Collection method: clinical testing. Allele origin: germline. Observed: 1 variant allele, 1 heterozygote.

Illumina Laboratory Services, Illumina
Classification: Likely benign for Pierson syndrome. Last evaluated: 2018-01-13. Review status: criteria provided, single submitter. Criteria: ICSL Variant Classification Criteria 13 December 2019. Collection method: clinical testing. Allele origin: germline.
Comment: This variant was observed in the ICSL laboratory as part of a predisposition screen in an ostensibly healthy population. It had not been previously curated by ICSL or reported in the Human Gene Mutation Database (HGMD: prior to June 1st, 2018), and was therefore a candidate for classification through an automated scoring system. Utilizing variant allele frequency, disease prevalence and penetrance estimates, and inheritance mode, an automated score was calculated to assess if this variant is too frequent to cause the disease. Based on the score and internal cut-off values, a variant classified as likely benign is not then subjected to further curation. The score for this variant resulted in a classification of likely benign for this disease.

Illumina Laboratory Services, Illumina
Classification: Likely benign for LAMB2-related infantile-onset nephrotic syndrome. Last evaluated: 2018-01-13. Review status: criteria provided, single submitter. Criteria: ICSL Variant Classification Criteria 13 December 2019. Collection method: clinical testing. Allele origin: germline.
Comment: the same text as in the submission from Illumina Laboratory Services, Illumina above.

PreventionGenetics, part of Exact Sciences
Classification: Likely benign for LAMB2-related condition. Last evaluated: 2020-04-22. Review status: no assertion criteria provided. Collection method: clinical testing. Allele origin: germline. Not counted in ClinVar's aggregate classification.
Comment: This variant is classified as likely benign based on ACMG/AMP sequence variant interpretation guidelines (Richards et al. 2015 PMID: 25741868, with internal and published modifications).

Clinical Genetics DNA and cytogenetics Diagnostics Lab, Erasmus MC, Erasmus Medical Center
Classification: Likely benign. Review status: no assertion criteria provided. Collection method: clinical testing. Allele origin: germline. Affected: yes. Study: VKGL Data-share Consensus. Not counted in ClinVar's aggregate classification.

Genome Diagnostics Laboratory, University Medical Center Utrecht
Classification: Likely benign. Review status: no assertion criteria provided. Collection method: clinical testing. Allele origin: germline. Affected: yes. Study: VKGL Data-share Consensus. Not counted in ClinVar's aggregate classification.

Laboratory of Diagnostic Genome Analysis, Leiden University Medical Center (LUMC)
Classification: Likely benign. Review status: no assertion criteria provided. Collection method: clinical testing. Allele origin: germline. Affected: yes. Study: VKGL Data-share Consensus. Not counted in ClinVar's aggregate classification.

Literature cited by the submitters: PubMed 20556798 (cited by Mayo Clinic Laboratories, Mayo Clinic and Athena Diagnostics).

NM_002292.4(LAMB2):c.109C>G (p.Pro37Ala)

Gene: LAMB2 (laminin subunit beta 2; minus strand). Cytogenetic location: 3p21.31.
Variant type: single nucleotide variant.
Coding change: c.109C>G on transcript NM_002292.4 (MANE Select); coding-DNA position 109, C replaced by G.
Protein change: p.Pro37Ala; replaces proline 37 with alanine.
Molecular consequence: missense variant.
Genome position (GRCh38, 1-based): chr3:49,132,631, G>C on the plus strand (C>G on the coding strand, the complement: LAMB2 is on the minus strand). VCF-style: chr3-49132631-G-C. GRCh37 (hg19) VCF-style: chr3-49170064-G-C.
Other names: p.Pro37Ala; short protein forms P37A.
Identifiers: ClinVar variation 472468 (VCV000472468.69), dbSNP rs144765752, ClinGen allele CA2395042.